The following is an entry in ClinVar:

NM_000218.3(KCNQ1):c.1189C>T (p.Arg397Trp)

Gene: KCNQ1 (potassium voltage-gated channel subfamily Q member 1; plus strand). Cytogenetic location: 11p15.5.
Variant type: single nucleotide variant.
Coding change: c.1189C>T on transcript NM_000218.3 (MANE Select); coding-DNA position 1189, C replaced by T.
Protein change: p.Arg397Trp; replaces arginine 397 with tryptophan.
Molecular consequence: missense variant.
Genome position (GRCh38, 1-based): chr11:2,587,630, C>T. VCF-style: chr11-2587630-C-T. GRCh37 (hg19) VCF-style: chr11-2608860-C-T.
Other names: p.R397W:CGG>TGG; c.1189C>T (LRG_287t1); c.1093C>T, p.Arg365Trp (NM_001406836.1); c.919C>T, p.Arg307Trp (NM_001406837.1); c.649C>T, p.Arg217Trp (NM_001406838.1); c.808C>T, p.Arg270Trp (NM_181798.2); short protein forms R397W, R270W, R307W, R365W, R217W.
Identifiers: ClinVar variation 52970 (VCV000052970.84), dbSNP rs199472776, ClinGen allele CA005482.
Genomic context (GRCh38, chr11:2,587,630, plus strand): 5'-ACCGCATGGAGGTGCTATGCTGCCGAGAACCCCGACTCCTCCACCTGGAAGATCTACATC[C>T]GGAAGGCCCCCCGGAGCCACACTCTGCTGTCACCCAGCCCCAAACCCAAGAAGTCTGTGG-3'
Protein context (NP_000209.2, residues 387-407): PDSSTWKIYI[Arg397Trp]KAPRSHTLLS

ClinVar aggregate classification (germline): Conflicting classifications of pathogenicity. Review status: criteria provided, conflicting classifications (1 of 4 stars). 20 submissions from 20 submitters: Likely pathogenic (4); Uncertain significance (12); Likely benign (1). 3 of the submissions do not count toward it. Last evaluated 2026-09-11.

Conditions:
Cardiac arrhythmia. Also called: Arrhythmia; Cardiac rhythm disease. Identifiers: MedGen C0003811, MONDO:0007263, HP:0011675.
KCNQ1-related disorder. Also called: KCNQ1-related condition; KCNQ1-related disorders. Identifiers: MedGen CN239322.
Cardiovascular phenotype. Identifiers: MedGen CN230736.
Familial long QT syndrome (RWS). Also called: Congenital long QT syndrome; Romano-Ward syndrome; VENTRICULAR FIBRILLATION WITH PROLONGED QT INTERVAL. Identifiers: Orphanet 768, MedGen C1141890, MONDO:0019171.
Atrial fibrillation, familial, 3 (ATFB3). Identifiers: MedGen C1837014, MONDO:0011857, OMIM 607554.
Long QT syndrome 1 (LQT1). Identifiers: Orphanet 101016, Orphanet 768, MedGen C4551647, MONDO:0100316, OMIM 192500, MONDO:0008646.
Jervell and Lange-Nielsen syndrome 1 (JLNS1). Also called: CARDIOAUDITORY SYNDROME OF JERVELL AND LANGE-NIELSEN; DEAFNESS, CONGENITAL, AND FUNCTIONAL HEART DISEASE; PROLONGED QT INTERVAL IN EKG AND SUDDEN DEATH; SURDO-CARDIAC SYNDROME. Identifiers: Orphanet 768, Orphanet 90647, MedGen C4551509, MONDO:0024540, OMIM 220400.
Short QT syndrome type 2. Identifiers: Orphanet 51083, MedGen C1865019, MONDO:0012313, OMIM 609621.
Long QT syndrome (LQTS). Identifiers: MedGen C0023976, MeSH D008133, MONDO:0002442. Disease mechanism: loss of function. Inheritance: Various modes of inheritance.
Wolff-Parkinson-White pattern. Also called: Auriculoventricular accessory pathway syndrome; False bundle branch block syndrome; Anomalous ventricular excitation syndrome; WPW SYNDROME. Identifiers: MedGen C0043202, MONDO:0008685, OMIM 194200, HP:0001716.

Allele frequency attached by ClinVar (database versions not stated): gnomAD 0.00013; 1000 Genomes Project 30x 0.00016; TOPMed 0.00016; 1000 Genomes Project 0.00020; ESP Exome Variant Server 0.00038.
gnomAD v4.1: 355 of 1,613,988 alleles (0.022%); highest among the groups gnomAD compares: Middle Eastern, 0.033%; no homozygotes.

Submissions 1 to 6 of 20:

Ambry Genetics
Classification: Uncertain significance for Cardiovascular phenotype. Last evaluated: 2026-09-11. Review status: criteria provided, single submitter. Criteria: Ambry Variant Classification Scheme 2023. Collection method: clinical testing. Allele origin: germline.
Comment: The c.1189C>T (p.R397W) alteration is located in coding exon 9 of the KCNQ1 gene. This alteration results from a C to T substitution at nucleotide position 1189, causing the arginine (R) at amino acid position 397 to be replaced by a tryptophan (W). Based on data from gnomAD, the T allele has an overall frequency of 0.019% (53/282726) total alleles studied. The highest observed frequency was 0.087% (9/10364) of Ashkenazi Jewish alleles. The frequency for this variant is above the maximum credible frequency for a disease-causing variant in this gene based on internally established thresholds (Whiffin, 2017; Karczewski, 2020). This variant has been previously reported in individuals with suspicion of long QT syndrome or unexplained fetal death (Moss, 2007; Kapa, 2009; Crotti, 2013; Sahlin, 2019). This amino acid position is well conserved in available vertebrate species. In vitro functional studies have reported this alteration to result in altered ion channel function, but these experiments may not accurately reflect physiological conditions in vivo (Crotti, 2013; Li, 2013). This alteration is predicted to be deleterious by in silico analysis. Based on insufficient or conflicting evidence, the clinical significance of this alteration remains unclear.

PreventionGenetics, part of Exact Sciences
Classification: Uncertain significance for KCNQ1-related condition. Last evaluated: 2026-07-23. Review status: criteria provided, single submitter. Criteria: ACMG Guidelines, 2015. Collection method: clinical testing. Allele origin: germline.
Comment: The KCNQ1 c.1189C>T variant is predicted to result in the amino acid substitution p.Arg397Trp. This variant has been reported in multiple individuals with KCNQ1 related disorders and was not seen in 1300 age matched controls (see for example, Moss et al. 2007. PubMed ID: 17470695; Kapa et al. 2009. PubMed ID: 19841300; Gerber et al. 2020. PubMed ID: 32553227). This variant has also been reported in two cases of intrauterine fetal demise or stillbirth (Crotti et al. 2013. PubMed ID: 23571586; Sahlin et al. 2019. PubMed ID: 30615648; Kasak et al. 2021. PubMed ID: 34398675) and has been reported in the homozygous state in an individual with permanent neonatal diabetes melitus and not seen in 200 healthy controls (Zhou et al. 2024. PubMed ID: 39055936). Although studies have shown that individuals with this variant have similar QTc intervals compared to wildtype (Ghouse et al. 2015. PubMed ID: 26159999; Table S2, Sveinbjornsson et al. 2023. PubMed ID: 37449562) and the variant has high frequencies in many exome databases (see for example, Refsgaard et al. 2012. PubMed ID: 22378279; Supplementary tables, Amendola et al. 2015. PubMed ID: 25637381; Johnston et al. 2022. PubMed ID: 35534676); these features are consistent with the reduced penetrance and variable expressivity of KCNQ1 related disorders, suggesting this variant may be a low penetrance risk allele (Taylor et al. 2015. PubMed ID: 25985138; Clemens et al. 2018. PubMed ID: 29197658). In vitro functional studies suggest this variant impairs protein binding and function (see for example, Li et al. 2013. PubMed ID: 24190995; Crotti et al. 2013. PubMed ID: 23571586; Taylor et al. 2015. PubMed ID: 25985138). This variant is reported in 0.087% of alleles in individuals of Ashkenazi Jewish descent in gnomAD. This variant has conflicting classifications listed in ClinVar ranging from uncertain to likely pathogenic (Variation ID: 52970). At this time, the clinical significance of this variant is uncertain due to the absence of conclusive functional and genetic evidence.

Molecular Diagnostic Laboratory for Inherited Cardiovascular Disease, Montreal Heart Institute
Classification: Uncertain significance for Cardiovascular phenotype. Last evaluated: 2026-03-27. Review status: criteria provided, single submitter. Criteria: ACMG Guidelines, 2015. Collection method: clinical testing. Allele origin: germline. Affected: yes.
Comment: PS3_mod, PM5_supp, PP2

Women's Health and Genetics/Laboratory Corporation of America, LabCorp
Classification: Uncertain significance. Last evaluated: 2026-01-12. Review status: criteria provided, single submitter. Criteria: LabCorp Variant Classification Summary - May 2015. Collection method: clinical testing. Allele origin: germline.
Comment: Variant summary: KCNQ1 c.1189C>T (p.Arg397Trp) results in a non-conservative amino acid change in the encoded protein sequence. Algorithms developed to predict the effect of missense changes on protein structure and function all suggest that this variant is likely to be disruptive. The observed variant frequency exceeds the estimated maximal expected allele frequency for disease-causing variants in KCNQ1. c.1189C>T has been reported in the literature in many individuals affected with Long QT Syndrome (e.g., Moss_2007, Kapa_2009, Kapplinger_2009, Amin_2012) as well as an in an intrauterine fetal death (e.g., Crotti_2013) and a sillbirth case (e.g., Sahlin_2019). However, co-segregation data was not provided to confirm causality in these cases and in some cases, co-occurring variants of uncertain significance were reported. Therefore, these data do not allow any conclusion about variant significance. Several publications report experimental evidence evaluating an impact on protein function, finding that the variant reduced the slowly activating K+ channel current densities by >70% compared to wild type and reduced ATP sensitivity as well (e.g., Li_2013, Crotti_2013). The following publications have been ascertained in the context of this evaluation (PMID: 22199116, 23571586, 19841300, 25854863, 24190995, 17470695, 30615648, 39055936, 39486665). ClinVar contains an entry for this variant (Variation ID: 52970). Based on the evidence outlined above, the variant was classified as uncertain significance.

GeneDx
Classification: Uncertain significance. Last evaluated: 2025-07-01. Review status: criteria provided, single submitter. Criteria: GeneDx Variant Classification Process June 2021. Collection method: clinical testing. Allele origin: germline. Affected: yes.
Comment: Reported in association with LQTS or sudden death and in individuals referred for LQTS genetic testing; however, the majority of these publications did not provide specific clinical details or familial segregation data (PMID: 17470695, 19841300, 19716085, 23571586, 24440382, 34505893); Identified in a patient with CPVT in published literature (PMID: 32553227); Identified in the homozygous state in a patient with neonatal diabetes (PMID: 39055936); In silico analysis supports that this missense variant has a deleterious effect on protein structure/function; This variant is associated with the following publications: (PMID: 29197658, 25637381, 25985138, 19716085, 22378279, 22949429, 19841300, 23571586, 26159999, 24440382, 32048431, 32233023, 31737537, 30615648, 31019283, 28988457, 34426522, 34398675, 35008927, 34505893, 34621001, RidaM2023[Preprint], 24190995, 35534676, 22199116, 22581653, 17470695, 39055936, 32553227, 37937776, 22456477, 37449562, 36496179)

CeGaT Center for Human Genetics Tuebingen
Classification: Uncertain significance. Last evaluated: 2025-04-01. Review status: criteria provided, single submitter. Criteria: CeGaT Center For Human Genetics Tuebingen Variant Classification Criteria Version 2. Collection method: clinical testing. Allele origin: germline. Affected: yes. Observed: 3 variant alleles.
Comment: KCNQ1: PS3:Supporting